The following is an entry in ClinVar:

NM_000083.3(CLCN1):c.1604C>T (p.Ala535Val)

Gene: CLCN1 (chloride voltage-gated channel 1; plus strand). Cytogenetic location: 7q34.
Variant type: single nucleotide variant.
Coding change: c.1604C>T on transcript NM_000083.3 (MANE Select); coding-DNA position 1604, C replaced by T.
Protein change: p.Ala535Val; replaces alanine 535 with valine.
Molecular consequence: missense variant. On other transcripts: non-coding transcript variant (1).
Genome position (GRCh38, 1-based): chr7:143,341,950, C>T. VCF-style: chr7-143341950-C-T. GRCh37 (hg19) VCF-style: chr7-143039043-C-T.
Other names: short protein forms A535V.
Identifiers: ClinVar variation 854077 (VCV000854077.1), dbSNP rs752814433, ClinGen allele CA369646384.

ClinVar aggregate classification (germline): Uncertain significance (1 of 4 stars; one submission).

Conditions:
Congenital myotonia, autosomal dominant form (THD). Also called: THOMSEN DISEASE; Myotonia congenita autosomal dominant. Identifiers: Orphanet 614, MedGen C2936781, MONDO:0008055, OMIM 160800.
Congenital myotonia, autosomal recessive form. Also called: Becker Generalized Myotonia; myotonia congenita, autosomal recessive; BECKER DISEASE. Identifiers: Orphanet 614, MedGen C0751360, MONDO:0009715, OMIM 255700.

Submission:

Labcorp Genetics (formerly Invitae), Labcorp
Classification: Uncertain significance for Congenital myotonia, autosomal recessive form; Congenital myotonia, autosomal dominant form. Last evaluated: 2019-03-11. Review status: criteria provided, single submitter. Criteria: Invitae Variant Classification Sherloc (09022015). Collection method: clinical testing. Allele origin: germline.
Comment: This sequence change replaces alanine with valine at codon 535 of the CLCN1 protein (p.Ala535Val). The alanine residue is highly conserved and there is a small physicochemical difference between alanine and valine. This variant is not present in population databases (ExAC no frequency). This variant has not been reported in the literature in individuals with CLCN1-related conditions. Algorithms developed to predict the effect of missense changes on protein structure and function are either unavailable or do not agree on the potential impact of this missense change (SIFT: "Deleterious"; PolyPhen-2: "Probably Damaging"; Align-GVGD: "Class C0"). This variant disrupts the p.Ala535 amino acid residue in CLCN1. Other variant(s) that disrupt this residue have been observed in individuals with CLCN1-related conditions (PMID: 23739125), which suggests that this may be a clinically significant amino acid residue. In summary, the available evidence is currently insufficient to determine the role of this variant in disease. Therefore, it has been classified as a Variant of Uncertain Significance.

Literature cited by the submitters: PubMed 23739125.